The following is an entry in ClinVar:

NM_001849.4(COL6A2):c.2423-18_2423-17insCGGCCCGGCC

Gene: COL6A2 (collagen type VI alpha 2 chain; plus strand). Cytogenetic location: 21q22.3.
Variant type: Microsatellite.
Coding change: c.2423-18_2423-17insCGGCCCGGCC on transcript NM_001849.4 (MANE Select); 18 bases into the intron before coding-DNA position 2423 through 17 bases into the intron before coding-DNA position 2423, CGGCCCGGCC inserted.
Molecular consequence: intron variant.
Genome position: GRCh38 VCF-style: chr21-46126476-T-TGGCCCGGCCC. GRCh37 (hg19) VCF-style: chr21-47546390-T-TGGCCCGGCCC.
Other names: c.2423-18_2423-17insCGGCCCGGCC (NM_058175.3, NM_058174.3).
Identifiers: ClinVar variation 420761 (VCV000420761.5), dbSNP rs138363207, ClinGen allele CA10072602.

ClinVar aggregate classification (germline): Likely benign. Review status: criteria provided, multiple submitters, no conflicts (2 of 4 stars). 2 submissions from 2 submitters: Likely benign (2). Last evaluated 2026-01-01.

Submissions (2):

CeGaT Center for Human Genetics Tuebingen
Classification: Likely benign. Last evaluated: 2026-01-01. Review status: criteria provided, single submitter. Criteria: CeGaT Center For Human Genetics Tuebingen Variant Classification Criteria Version 2. Collection method: clinical testing. Allele origin: germline. Affected: yes. Observed: 1 variant allele.
Comment: COL6A2: BS2

GeneDx
Classification: Likely benign. Last evaluated: 2016-04-19. Review status: criteria provided, single submitter. Criteria: GeneDx Variant Classification (06012015). Collection method: clinical testing. Allele origin: germline. Affected: yes.
Comment: This variant is considered likely benign or benign based on one or more of the following criteria: it is a conservative change, it occurs at a poorly conserved position in the protein, it is predicted to be benign by multiple in silico algorithms, and/or has population frequency not consistent with disease.